The following is an entry in ClinVar:

ClinVar aggregate classification (germline): Conflicting classifications of pathogenicity. Review status: criteria provided, conflicting classifications (1 of 4 stars). 2 submissions from 2 submitters: Uncertain significance (1); Likely benign (1). Last evaluated 2025-12-13.

Conditions:
Menkes kinky-hair syndrome (MNK). Also called: Copper transport disease; Menkes Disease; Classic Menkes Disease. Identifiers: Orphanet 565, MedGen C0022716, MONDO:0010651, OMIM 309400.
Cutis laxa, X-linked (OHS). Also called: EDS IX; Occipital horn syndrome. Identifiers: Orphanet 198, MedGen C0268353, MONDO:0010572, OMIM 304150.
X-linked distal spinal muscular atrophy type 3. Also called: ATP7A-Related Distal Motor Neuropathy; SPINAL MUSCULAR ATROPHY, DISTAL, X-LINKED RECESSIVE; NEURONOPATHY, DISTAL HEREDITARY MOTOR, X-LINKED; NEUROPATHY, DISTAL HEREDITARY MOTOR, X-LINKED. Identifiers: Orphanet 139557, MedGen C1845359, MONDO:0010338, OMIM 300489.

Allele frequency attached by ClinVar (database versions not stated): gnomAD exomes below 0.00001 and 0.00001; TOPMed 0.00001; gnomAD 0.00002; ExAC 0.00003.
gnomAD v4.1: 7 of 1,208,649 alleles (0.00058%); highest among the groups gnomAD compares: Non-Finnish European, 0.00078%; no homozygotes.

Submissions (2):

Labcorp Genetics (formerly Invitae), Labcorp
Classification: Likely benign for X-linked distal spinal muscular atrophy type 3; Cutis laxa, X-linked; Menkes kinky-hair syndrome. Last evaluated: 2025-12-13. Review status: criteria provided, single submitter. Criteria: Invitae Variant Classification Sherloc (09022015). Collection method: clinical testing. Allele origin: germline.

GeneDx
Classification: Uncertain significance. Last evaluated: 2022-06-30. Review status: criteria provided, single submitter. Criteria: GeneDx Variant Classification Process June 2021. Collection method: clinical testing. Allele origin: germline. Affected: yes.
Comment: Not observed at significant frequency in large population cohorts (gnomAD); In silico analysis supports that this missense variant does not alter protein structure/function; Has not been previously published as pathogenic or benign to our knowledge

NM_000052.7(ATP7A):c.4058A>G (p.Lys1353Arg)

Gene: ATP7A (ATPase copper transporting alpha; plus strand). Cytogenetic location: Xq21.1.
Variant type: single nucleotide variant.
Coding change: c.4058A>G on transcript NM_000052.7 (MANE Select); coding-DNA position 4058, A replaced by G.
Protein change: p.Lys1353Arg; replaces lysine 1353 with arginine.
Molecular consequence: missense variant. On other transcripts: non-coding transcript variant (1).
Genome position (GRCh38, 1-based): chrX:78,043,369, A>G. VCF-style: chrX-78043369-A-G. GRCh37 (hg19) VCF-style: chrX-77298867-A-G.
Other names: c.3824A>G, p.Lys1275Arg (NM_001282224.2); short protein forms K1275R, K1353R.
Identifiers: ClinVar variation 1305995 (VCV001305995.10), dbSNP rs781912153, ClinGen allele CA10459495.